The following is an entry in ClinVar:

ClinVar aggregate classification (germline): Uncertain significance (1 of 4 stars; one submission).

Conditions:
Dyskeratosis congenita, autosomal dominant 2. Identifiers: MedGen C3151443, MONDO:0013521, OMIM 613989.
Idiopathic Pulmonary Fibrosis. Also called: Idiopathic fibrosing alveolitis, chronic form; idiopathic fibrosing alveolitis. Identifiers: Orphanet 2032, MedGen C1800706, MeSH D054990, MONDO:0800504.

Submission:

Labcorp Genetics (formerly Invitae), Labcorp
Classification: Uncertain significance for Dyskeratosis congenita, autosomal dominant 2; Idiopathic Pulmonary Fibrosis. Last evaluated: 2022-02-05. Review status: criteria provided, single submitter. Criteria: Invitae Variant Classification Sherloc (09022015). Collection method: clinical testing. Allele origin: germline.
Comment: This sequence change replaces valine, which is neutral and non-polar, with isoleucine, which is neutral and non-polar, at codon 526 of the TERT protein (p.Val526Ile). This variant is not present in population databases (gnomAD no frequency). This variant has not been reported in the literature in individuals affected with TERT-related conditions. Algorithms developed to predict the effect of missense changes on protein structure and function (SIFT, PolyPhen-2, Align-GVGD) all suggest that this variant is likely to be tolerated. In summary, the available evidence is currently insufficient to determine the role of this variant in disease. Therefore, it has been classified as a Variant of Uncertain Significance.

NM_198253.3(TERT):c.1576G>A (p.Val526Ile)

Gene: TERT (telomerase reverse transcriptase; minus strand). Cytogenetic location: 5p15.33.
Variant type: single nucleotide variant.
Coding change: c.1576G>A on transcript NM_198253.3 (MANE Select); coding-DNA position 1576, G replaced by A.
Protein change: p.Val526Ile; replaces valine 526 with isoleucine.
Molecular consequence: missense variant. On other transcripts: non-coding transcript variant (2).
Genome position (GRCh38, 1-based): chr5:1,282,622, C>T on the plus strand (G>A on the coding strand, the complement: TERT is on the minus strand). VCF-style: chr5-1282622-C-T. GRCh37 (hg19) VCF-style: chr5-1282737-C-T.
Other names: c.1576G>A, p.Val526Ile (NM_001193376.3, NM_003219.1); short protein forms V526I.
Identifiers: ClinVar variation 2093496 (VCV002093496.1), dbSNP rs2478307310, ClinGen allele CA359083619.